The following is an entry in ClinVar:

NM_005802.5(TOPORS):c.1924G>A (p.Asp642Asn)

Gene: TOPORS (TOP1 binding arginine/serine rich protein, E3 ubiquitin ligase; minus strand). Cytogenetic location: 9p21.1.
Variant type: single nucleotide variant.
Coding change: c.1924G>A on transcript NM_005802.5 (MANE Select); coding-DNA position 1924, G replaced by A.
Protein change: p.Asp642Asn; replaces aspartic acid 642 with asparagine.
Molecular consequence: missense variant.
Genome position (GRCh38, 1-based): chr9:32,542,601, C>T on the plus strand (G>A on the coding strand, the complement: TOPORS is on the minus strand). VCF-style: chr9-32542601-C-T. GRCh37 (hg19) VCF-style: chr9-32542599-C-T.
Other names: c.1924G>A (NM_005802.4); c.1729G>A, p.Asp577Asn (NM_001195622.2); short protein forms D642N, D577N.
Identifiers: ClinVar variation 1475019 (VCV001475019.9), dbSNP rs759617192, ClinGen allele CA5020447.
Genomic context (GRCh38, chr9:32,542,601, plus strand): 5'-GAGACAGAGTTTGGCTTCTTCTGGACCAACTGCTATCTCTAGTTCTTGATCTCTTTTTGT[C>T]TCTTCTCCCTCTAGGTCTGCTACTTTCCCTGCTTCTGGATCGTTTACTTTTCATTCTTTT-3'
Protein context (NP_005793.2, residues 632-652): RESSRPRGRR[Asp642Asn]KKRSRTRDSS

ClinVar aggregate classification (germline): Uncertain significance. Review status: criteria provided, multiple submitters, no conflicts (2 of 4 stars). 2 submissions from 2 submitters: Uncertain significance (2). Last evaluated 2025-09-15.

Conditions:
Inborn genetic diseases. Identifiers: MedGen C0950123, MeSH D030342.

Allele frequency attached by ClinVar (database versions not stated): gnomAD exomes below 0.00001 and 0.00001; ExAC 0.00001.
gnomAD v4.1: 3 of 1,614,042 alleles (0.00019%); highest among the groups gnomAD compares: Admixed American, 0.0017%; no homozygotes.

Submissions (2):

Labcorp Genetics (formerly Invitae), Labcorp
Classification: Uncertain significance. Last evaluated: 2025-09-15. Review status: criteria provided, single submitter. Criteria: Invitae Variant Classification Sherloc (09022015). Collection method: clinical testing. Allele origin: germline.
Comment: This sequence change replaces aspartic acid, which is acidic and polar, with asparagine, which is neutral and polar, at codon 642 of the TOPORS protein (p.Asp642Asn). This variant is present in population databases (rs759617192, gnomAD 0.003%). This missense change has been observed in individual(s) with retinal disease (internal data). ClinVar contains an entry for this variant (Variation ID: 1475019). Experimental studies and prediction algorithms are not available or were not evaluated, and the functional significance of this variant is currently unknown. In summary, the available evidence is currently insufficient to determine the role of this variant in disease. Therefore, it has been classified as a Variant of Uncertain Significance.

Ambry Genetics
Classification: Uncertain significance for Inborn genetic diseases. Last evaluated: 2025-06-07. Review status: criteria provided, single submitter. Criteria: Ambry Variant Classification Scheme 2023. Collection method: clinical testing. Allele origin: germline.